The following is an entry in ClinVar:

ClinVar aggregate classification (germline): Uncertain significance. Review status: criteria provided, multiple submitters, no conflicts (2 of 4 stars). 2 submissions from 2 submitters: Uncertain significance (2). Last evaluated 2025-10-10.

Conditions:
Early-infantile DEE. Also called: Early infantile epileptic encephalopathy; Early infantile epileptic encephalopathy with suppression bursts; Ohtahara syndrome. Identifiers: Orphanet 1934, MedGen C0393706, MONDO:0800491.

gnomAD v4.1: 2 of 1,611,886 alleles (0.00012%); highest among the groups gnomAD compares: Admixed American, 0.0033%; no homozygotes.

Submissions (2):

Labcorp Genetics (formerly Invitae), Labcorp
Classification: Uncertain significance for Early-infantile DEE. Last evaluated: 2025-10-10. Review status: criteria provided, single submitter. Criteria: Invitae Variant Classification Sherloc (09022015). Collection method: clinical testing. Allele origin: germline.
Comment: This sequence change replaces valine, which is neutral and non-polar, with alanine, which is neutral and non-polar, at codon 229 of the SCN1A protein (p.Val229Ala). This variant is present in population databases (no rsID available, gnomAD 0.006%). This variant has not been reported in the literature in individuals affected with SCN1A-related conditions. ClinVar contains an entry for this variant (Variation ID: 3368380). Invitae Evidence Modeling of protein sequence and biophysical properties (such as structural, functional, and spatial information, amino acid conservation, physicochemical variation, residue mobility, and thermodynamic stability) indicates that this missense variant is expected to disrupt SCN1A protein function with a positive predictive value of 95%. In summary, the available evidence is currently insufficient to determine the role of this variant in disease. Therefore, it has been classified as a Variant of Uncertain Significance.

GeneDx
Classification: Uncertain significance. Last evaluated: 2024-01-30. Review status: criteria provided, single submitter. Criteria: GeneDx Variant Classification Process June 2021. Collection method: clinical testing. Allele origin: germline. Affected: yes.
Comment: Missense variants in this gene are a common cause of disease and they are underrepresented in the general population; In silico analysis supports that this missense variant has a deleterious effect on protein structure/function; Has not been previously published as pathogenic or benign to our knowledge

NM_001165963.4(SCN1A):c.686T>C (p.Val229Ala)

Gene: SCN1A (sodium voltage-gated channel alpha subunit 1; minus strand). Cytogenetic location: 2q24.3.
Variant type: single nucleotide variant.
Coding change: c.686T>C on transcript NM_001165963.4 (MANE Select); coding-DNA position 686, T replaced by C.
Protein change: p.Val229Ala; replaces valine 229 with alanine.
Molecular consequence: missense variant. On other transcripts: 5 prime UTR variant (1), non-coding transcript variant (1).
Genome position (GRCh38, 1-based): chr2:166,052,860, A>G on the plus strand (T>C on the coding strand, the complement: SCN1A is on the minus strand). VCF-style: chr2-166052860-A-G. GRCh37 (hg19) VCF-style: chr2-166909370-A-G.
Other names: c.686T>C, p.Val229Ala (NM_001165964.3, NM_001202435.3, NM_001353948.2 and 10 more transcripts); c.-1740T>C (NM_001353961.2); short protein forms V229A.
Identifiers: ClinVar variation 3368380 (VCV003368380.2).